The following is an entry in ClinVar:

ClinVar aggregate classification (germline): Uncertain significance (1 of 4 stars; one submission).

Allele frequency attached by ClinVar (database versions not stated): ExAC 0.00001; gnomAD 0.00001; gnomAD exomes 0.00001; TOPMed 0.00001.
gnomAD v4.1: 7 of 1,614,086 alleles (0.00043%); highest among the groups gnomAD compares: Non-Finnish European, 0.00051%; no homozygotes.

Submission:

GeneDx
Classification: Uncertain significance. Last evaluated: 2019-09-04. Review status: criteria provided, single submitter. Criteria: GeneDx Variant Classification Process June 2021. Collection method: clinical testing. Allele origin: germline. Affected: yes.
Comment: In silico analysis, which includes protein predictors and evolutionary conservation, supports a deleterious effect; Has not been previously published as pathogenic or benign to our knowledge

NM_015215.4(CAMTA1):c.4049C>T (p.Pro1350Leu)

Genes: CAMTA1 (calmodulin binding transcription activator 1; plus strand), LOC126805603 (CDK7 strongly-dependent group 2 enhancer GRCh37_chr1:7798026-7799225; plus strand). Cytogenetic location: 1p36.23.
Variant type: single nucleotide variant.
Coding change: c.4049C>T on transcript NM_015215.4 (MANE Select); coding-DNA position 4049, C replaced by T.
Protein change: p.Pro1350Leu; replaces proline 1350 with leucine.
Molecular consequence: missense variant.
Genome position (GRCh38, 1-based): chr1:7,738,349, C>T. VCF-style: chr1-7738349-C-T. GRCh37 (hg19) VCF-style: chr1-7798409-C-T.
Other names: c.3959C>T, p.Pro1320Leu (NM_001349608.2); c.3710C>T, p.Pro1237Leu (NM_001349609.2, NM_001349610.2); c.3620C>T, p.Pro1207Leu (NM_001349612.2); c.1178C>T, p.Pro393Leu (NM_001349613.1); c.1121C>T, p.Pro374Leu (NM_001349614.1, NM_001349615.2, NM_001349616.2 and 2 more transcripts); c.782C>T, p.Pro261Leu (NM_001349619.2, NM_001349620.1, NM_001349621.1 and 5 more transcripts); short protein forms P1207L, P1237L, P1320L, P1350L, P261L, P374L, P393L.
Identifiers: ClinVar variation 1311286 (VCV001311286.2), dbSNP rs766200889, ClinGen allele CA567052.
Genomic context (GRCh38, chr1:7,738,349, plus strand): 5'-TGTCTACAGTACAGGTGACTGGAAATCCGAAGGGGACCAGTGTAGGAAAGGAGGCAGCAC[C>T]TTCACAGGTGCGTCCACGGGAACCAATGAGTGTCCTGATGATGGCTAACAGAGAGGTGGT-3'
Protein context (NP_056030.1, residues 1340-1360): KGTSVGKEAA[Pro1350Leu]SQVRPREPMS